The following is an entry in ClinVar:

ClinVar aggregate classification (germline): Uncertain significance (1 of 4 stars; one submission).

Allele frequency attached by ClinVar (database versions not stated): gnomAD 0.00001; ExAC 0.00002.
gnomAD v4.1: 10 of 1,588,320 alleles (0.00063%); highest among the groups gnomAD compares: South Asian, 0.0023%; no homozygotes.

Submission:

Labcorp Genetics (formerly Invitae), Labcorp
Classification: Uncertain significance. Last evaluated: 2022-05-29. Review status: criteria provided, single submitter. Criteria: Invitae Variant Classification Sherloc (09022015). Collection method: clinical testing. Allele origin: germline.
Comment: In summary, the available evidence is currently insufficient to determine the role of this variant in disease. Therefore, it has been classified as a Variant of Uncertain Significance. Algorithms developed to predict the effect of sequence changes on RNA splicing suggest that this variant is not likely to affect RNA splicing. This variant has not been reported in the literature in individuals affected with ADSSL1-related conditions. The frequency data for this variant in the population databases is considered unreliable, as metrics indicate poor data quality at this position in the gnomAD database. This sequence change affects codon 307 of the ADSSL1 mRNA. It is a 'silent' change, meaning that it does not change the encoded amino acid sequence of the ADSSL1 protein. It affects a nucleotide within the consensus splice site.

NM_152328.5(ADSS1):c.792C>T (p.Phe264=)

Gene: ADSS1 (adenylosuccinate synthase 1; plus strand). Cytogenetic location: 14q32.33.
Variant type: single nucleotide variant.
Coding change: c.792C>T on transcript NM_152328.5 (MANE Select); coding-DNA position 792, C replaced by T.
Protein change: p.Phe264=; no amino-acid change (phenylalanine 264 retained).
Molecular consequence: synonymous variant.
Genome position (GRCh38, 1-based): chr14:104,741,242, C>T. VCF-style: chr14-104741242-C-T. GRCh37 (hg19) VCF-style: chr14-105207579-C-T.
Other names: c.177C>T, p.Phe59= (NM_001320424.1); c.921C>T, p.Phe307= (NM_199165.2).
Identifiers: ClinVar variation 2164859 (VCV002164859.4), dbSNP rs530966674, ClinGen allele CA7373847.
Genomic context (GRCh38, chr14:104,741,242, plus strand): 5'-CGGCCCCCCCAAGAAGATCCTGGTGGAGGGTGCCAACGCCGCCCTCCTCGACATTGACTT[C>T]GGTATGTCCGGGAGGGTGTGCGTGCCAACGACCTTTCGTGCCTGCCAGGGAAGACCCAGC-3'
Protein context (NP_689541.1, residues 254-274): GANAALLDID[Phe264=]GTYPFVTSSN